The following is an entry in ClinVar:

ClinVar aggregate classification (germline): Uncertain significance (1 of 4 stars; one submission).

Conditions:
Desmin-related myofibrillar myopathy (MFM1). Also called: Desminopathy; Desmin related myopathy (former name); Desmin storage myopathy (former name); DESMIN-RELATED MYOPATHY WITH ARRHYTHMOGENIC RIGHT VENTRICULAR CARDIOMYOPATHY; Myofibrillar myopathy 1; MYOFIBRILLAR MYOPATHY WITH ARRHYTHMOGENIC RIGHT VENTRICULAR CARDIOMYOPATHY. Identifiers: Orphanet 363543, Orphanet 98909, MedGen C1832370, MONDO:0011076, OMIM 601419.

Submission:

Labcorp Genetics (formerly Invitae), Labcorp
Classification: Uncertain significance for Desmin-related myofibrillar myopathy. Last evaluated: 2022-11-15. Review status: criteria provided, single submitter. Criteria: Invitae Variant Classification Sherloc (09022015). Collection method: clinical testing. Allele origin: germline.
Comment: In summary, the available evidence is currently insufficient to determine the role of this variant in disease. Therefore, it has been classified as a Variant of Uncertain Significance. Advanced modeling of protein sequence and biophysical properties (such as structural, functional, and spatial information, amino acid conservation, physicochemical variation, residue mobility, and thermodynamic stability) performed at Invitae indicates that this missense variant is expected to disrupt DES protein function. ClinVar contains an entry for this variant (Variation ID: 1003944). This variant has not been reported in the literature in individuals affected with DES-related conditions. This variant is not present in population databases (gnomAD no frequency). This sequence change replaces isoleucine, which is neutral and non-polar, with serine, which is neutral and polar, at codon 402 of the DES protein (p.Ile402Ser).

NM_001927.4(DES):c.1205T>G (p.Ile402Ser)

Gene: DES (desmin; plus strand). Cytogenetic location: 2q35.
Variant type: single nucleotide variant.
Coding change: c.1205T>G on transcript NM_001927.4 (MANE Select); coding-DNA position 1205, T replaced by G.
Protein change: p.Ile402Ser; replaces isoleucine 402 with serine.
Molecular consequence: missense variant.
Genome position (GRCh38, 1-based): chr2:219,421,521, T>G. VCF-style: chr2-219421521-T-G. GRCh37 (hg19) VCF-style: chr2-220286243-T-G.
Other names: c.1202T>G, p.Ile401Ser (NM_001382708.1); c.773T>G, p.Ile258Ser (NM_001382709.1); c.1136T>G, p.Ile379Ser (NM_001382710.1); c.1184T>G, p.Ile395Ser (NM_001382711.1); c.1205T>G, p.Ile402Ser (NM_001382712.1); c.935T>G, p.Ile312Ser (NM_001382713.1); short protein forms I258S, I312S, I379S, I395S, I401S, I402S.
Identifiers: ClinVar variation 1003944 (VCV001003944.7), dbSNP rs1553603571, ClinGen allele CA350694974.